The following is an entry in ClinVar:

ClinVar aggregate classification (germline): Benign/Likely benign. Review status: criteria provided, multiple submitters, no conflicts (2 of 4 stars). 4 submissions from 4 submitters: Benign (1); Likely benign (3). Last evaluated 2025-12-09.

Conditions:
A2ML1-related disorder. Also called: A2ML1-related condition.

Allele frequency attached by ClinVar (database versions not stated): gnomAD 0.00009 and 0.00011; TOPMed 0.00012; ESP Exome Variant Server 0.00016; gnomAD exomes 0.00020 and 0.00028; ExAC 0.00022; 1000 Genomes Project 30x 0.00031; 1000 Genomes Project 0.00040.
gnomAD v4.1: 422 of 1,609,470 alleles (0.026%); highest among the groups gnomAD compares: Middle Eastern, 0.067%; 2 homozygotes.

Submissions (4):

Labcorp Genetics (formerly Invitae), Labcorp
Classification: Likely benign. Last evaluated: 2025-12-09. Review status: criteria provided, single submitter. Criteria: Invitae Variant Classification Sherloc (09022015). Collection method: clinical testing. Allele origin: germline.

PreventionGenetics, part of Exact Sciences
Classification: Likely benign for A2ML1-related condition. Last evaluated: 2025-05-15. Review status: criteria provided, single submitter. Criteria: ACMG Guidelines, 2015. Collection method: clinical testing. Allele origin: germline.
Comment: This variant is classified as likely benign based on ACMG/AMP sequence variant interpretation guidelines (Richards et al. 2015 PMID: 25741868, with internal and published modifications).

Women's Health and Genetics/Laboratory Corporation of America, LabCorp
Classification: Benign. Last evaluated: 2021-07-04. Review status: criteria provided, single submitter. Criteria: LabCorp Variant Classification Summary - May 2015. Collection method: clinical testing. Allele origin: germline.
Comment: Variant summary: A2ML1 c.855+9A>G alters a non-conserved nucleotide located close to a canonical splice site and therefore could affect mRNA splicing, leading to a significantly altered protein sequence. Several computational tools predict a significant impact on normal splicing: Four predict the variant strengthens a cryptic intronic 5' donor site located at position c.855+5 in the sequence. However, these predictions have yet to be confirmed by functional studies. The variant allele was found at a frequency of 0.0002 in 248702 control chromosomes in the gnomAD database, including 1 homozygote. The observed variant frequency is approximately 50 fold of the estimated maximal expected allele frequency for a pathogenic variant in A2ML1 causing Noonan Syndrome phenotype (4e-06), strongly suggesting that the variant is benign. To our knowledge, no occurrence of c.855+9A>G in individuals affected with Noonan Syndrome and no experimental evidence demonstrating its impact on protein function have been reported. One clinical diagnostic laboratory has submitted clinical-significance assessments for this variant to ClinVar after 2014 without evidence for independent evaluation and classified the variant as likely benign. Furthermore, the association between A2ML1 and Noonan syndrome remains Disputed. The ClinGen RASopathy Expert Panel found no evidence associating A2ML1 with cardiofaciocutaneous syndrome, Costello syndrome, NS with loose anagen hair or NS with multiple lentigines. Based on the evidence outlined above, the variant was classified as benign.

GeneDx
Classification: Likely benign. Last evaluated: 2019-11-13. Review status: criteria provided, single submitter. Criteria: GeneDx Variant Classification Process June 2021. Collection method: clinical testing. Allele origin: germline. Affected: yes.

NM_144670.6(A2ML1):c.855+9A>G

Gene: A2ML1 (alpha-2-macroglobulin like 1; plus strand). Cytogenetic location: 12p13.31.
Variant type: single nucleotide variant.
Coding change: c.855+9A>G on transcript NM_144670.6 (MANE Select); 9 bases into the intron after coding-DNA position 855, A replaced by G.
Molecular consequence: intron variant.
Genome position (GRCh38, 1-based): chr12:8,837,575, A>G. VCF-style: chr12-8837575-A-G. GRCh37 (hg19) VCF-style: chr12-8990171-A-G.
Identifiers: ClinVar variation 700149 (VCV000700149.12), dbSNP rs200524501, ClinGen allele CA6435446.
Genomic context (GRCh38, chr12:8,837,575, plus strand): 5'-AGAGGTGGAACGGGAACAGCTTCCTGACAAATGCAGGAACCTCTCTGGACAGGTGAGTAA[A>G]TGACAGGTTAAAAAGGAACCTATCGGCCAGGCACGGTGGCTCACGCCTGTCATCCCAGCA-3'